The following is an entry in ClinVar:

NM_004738.5(VAPB):c.172del (p.Ser58fs)

Gene: VAPB (VAMP associated protein B and C; plus strand). Cytogenetic location: 20q13.32.
Variant type: Deletion.
Coding change: c.172del on transcript NM_004738.5 (MANE Select); coding-DNA position 172, one base deleted (A; older notation c.172delA).
Protein change: p.Ser58fs; shifts the reading frame from serine 58.
Molecular consequence: frameshift variant. On other transcripts: non-coding transcript variant (1).
Genome position (GRCh38, 1-based): chr20:58,418,324, A deleted. VCF-style (leftmost placement, unchanged base first): chr20-58418323-CA-C. GRCh37 (hg19) VCF-style: chr20-56993379-CA-C.
Other names: c.172del, p.Ser58fs (NM_001195677.2); c.172delA, p.Ser58Alafs (NM_004738.4); short protein forms S58fs.
Identifiers: ClinVar variation 1810152 (VCV001810152.1), dbSNP rs2516033050, ClinGen allele CA2580098296.

ClinVar aggregate classification (germline): Uncertain significance (1 of 4 stars; one submission).

Submission:

GeneDx
Classification: Uncertain significance. Last evaluated: 2022-06-27. Review status: criteria provided, single submitter. Criteria: GeneDx Variant Classification Process June 2021. Collection method: clinical testing. Allele origin: germline. Affected: yes.
Comment: Not observed at significant frequency in large population cohorts (gnomAD); Frameshift variant predicted to result in protein truncation or nonsense mediated decay in a gene or region of a gene for which loss of function is not a well-established mechanism of disease; Has not been previously published as pathogenic or benign to our knowledge